The following is an entry in ClinVar:

ClinVar aggregate classification (germline): Conflicting classifications of pathogenicity. Review status: criteria provided, conflicting classifications (1 of 4 stars). 2 submissions from 2 submitters: Uncertain significance (1); Likely benign (1). Last evaluated 2024-04-18.

Conditions:
Inborn genetic diseases. Identifiers: MedGen C0950123, MeSH D030342.
Charcot-Marie-Tooth disease type 2. Also called: Charcot-Marie-Tooth type 2. Identifiers: Orphanet 64746, MedGen C0270914, MONDO:0018993.

Allele frequency attached by ClinVar (database versions not stated): gnomAD exomes below 0.00001; gnomAD 0.00001.
gnomAD v4.1: 4 of 1,614,028 alleles (0.00025%); highest among the groups gnomAD compares: African/African-American, 0.0013%; no homozygotes.

Submissions (2):

Labcorp Genetics (formerly Invitae), Labcorp
Classification: Likely benign for Charcot-Marie-Tooth disease type 2. Last evaluated: 2024-04-18. Review status: criteria provided, single submitter. Criteria: Invitae Variant Classification Sherloc (09022015). Collection method: clinical testing. Allele origin: germline.

Ambry Genetics
Classification: Uncertain significance for Inborn genetic diseases. Last evaluated: 2021-10-05. Review status: criteria provided, single submitter. Criteria: Ambry Variant Classification Scheme 2023. Collection method: clinical testing. Allele origin: germline.
Comment: The c.672-6C>T intronic variant results from a C to T substitution 6 nucleotides upstream from coding exon 6 in the BSCL2 gene. This nucleotide position is well conserved in available vertebrate species. In silico splice site analysis predicts that this alteration will not have any significant effect on splicing. Since supporting evidence is limited at this time, the clinical significance of this alteration remains unclear.

NM_001122955.4(BSCL2):c.864-6C>T

Genes: BSCL2 (BSCL2 lipid droplet biogenesis associated, seipin; minus strand), HNRNPUL2-BSCL2 (HNRNPUL2-BSCL2 readthrough (NMD candidate); minus strand). Cytogenetic location: 11q12.3.
Variant type: single nucleotide variant.
Coding change: c.864-6C>T on transcript NM_001122955.4 (MANE Select); 6 bases into the intron before coding-DNA position 864, C replaced by T.
Molecular consequence: intron variant.
Genome position (GRCh38, 1-based): chr11:62,691,427, G>A on the plus strand (C>T on the coding strand, the complement: BSCL2 is on the minus strand). VCF-style: chr11-62691427-G-A. GRCh37 (hg19) VCF-style: chr11-62458899-G-A.
Other names: c.672-286C>T (NM_001130702.2); c.672-6C>T (NM_032667.6); c.864-6C>T (NM_001386028.1, NM_001386027.1).
Identifiers: ClinVar variation 1578476 (VCV001578476.10), dbSNP rs1945308147, ClinGen allele CA938683662.